The following is an entry in ClinVar:

ClinVar aggregate classification (germline): Uncertain significance (1 of 4 stars; one submission).

Submission:

Ambry Genetics
Classification: Uncertain significance. Last evaluated: 2022-01-08. Review status: criteria provided, single submitter. Criteria: Ambry Variant Classification Scheme 2023. Collection method: clinical testing. Allele origin: germline.
Comment: The p.K1760E variant (also known as c.5278A>G), located in coding exon 4 of the ALPK2 gene, results from an A to G substitution at nucleotide position 5278. The lysine at codon 1760 is replaced by glutamic acid, an amino acid with similar properties. This amino acid position is conserved. In addition, this alteration is predicted to be tolerated by in silico analysis. Since supporting evidence is limited at this time, the clinical significance of this alteration remains unclear.

NM_052947.4(ALPK2):c.5278A>G (p.Lys1760Glu)

Genes: ALPK2 (alpha kinase 2; minus strand), LOC130062577 (ATAC-STARR-seq lymphoblastoid active region 13389; plus strand). Cytogenetic location: 18q21.31.
Variant type: single nucleotide variant.
Coding change: c.5278A>G on transcript NM_052947.4 (MANE Select); coding-DNA position 5278, A replaced by G.
Protein change: p.Lys1760Glu; replaces lysine 1760 with glutamic acid.
Molecular consequence: missense variant.
Genome position (GRCh38, 1-based): chr18:58,534,909, T>C on the plus strand (A>G on the coding strand, the complement: ALPK2 is on the minus strand). VCF-style: chr18-58534909-T-C. GRCh37 (hg19) VCF-style: chr18-56202141-T-C.
Other names: short protein forms K1760E.
Identifiers: ClinVar variation 1746538 (VCV001746538.2), dbSNP rs2518873190, ClinGen allele CA402557240.